The following is an entry in ClinVar:

ClinVar aggregate classification (germline): Uncertain significance. Review status: criteria provided, multiple submitters, no conflicts (2 of 4 stars). 4 submissions from 4 submitters: Uncertain significance (4). Last evaluated 2025-12-17.

Conditions:
Tuberous sclerosis syndrome (TSC). Also called: Tuberous Sclerosis Complex; Tuberous sclerosis. Identifiers: Orphanet 805, MedGen C0041341, MONDO:0001734.
Tuberous sclerosis 2 (TSC2). Identifiers: Orphanet 805, MedGen C1860707, MONDO:0013199, OMIM 613254.
Isolated focal cortical dysplasia type II (FCORD2). Also called: CORTICAL DYSPLASIA OF TAYLOR; Focal cortical dysplasia type II. Identifiers: Orphanet 268994, MedGen C1846385, MONDO:0011818, OMIM 607341, HP:0032051.
Lymphangiomyomatosis (LAM). Also called: Lymphangioleiomyomatosis; Lymphangioleiomyomatosis, somatic. Identifiers: Orphanet 538, MedGen C0751674, MONDO:0011705, OMIM 606690.
Hereditary cancer-predisposing syndrome. Also called: Neoplastic Syndromes, Hereditary; Hereditary neoplastic syndrome; Tumor predisposition; Hereditary Cancer Syndrome. Identifiers: Orphanet 140162, MedGen C0027672, MeSH D009386, MONDO:0015356.

gnomAD v4.1: 1 of 1,608,686 alleles (0.000062%); no homozygotes.

Submissions (5):

Labcorp Genetics (formerly Invitae), Labcorp
Classification: Uncertain significance for Tuberous sclerosis 2. Last evaluated: 2025-12-17. Review status: criteria provided, single submitter. Criteria: Invitae Variant Classification Sherloc (09022015). Collection method: clinical testing. Allele origin: germline.
Comment: This sequence change replaces serine, which is neutral and polar, with tryptophan, which is neutral and slightly polar, at codon 1431 of the TSC2 protein (p.Ser1431Trp). This variant is not present in population databases (gnomAD no frequency). This variant has not been reported in the literature in individuals affected with TSC2-related conditions. ClinVar contains an entry for this variant (Variation ID: 663810). Invitae Evidence Modeling of protein sequence and biophysical properties (such as structural, functional, and spatial information, amino acid conservation, physicochemical variation, residue mobility, and thermodynamic stability) indicates that this missense variant is not expected to disrupt TSC2 protein function with a negative predictive value of 95%. In summary, the available evidence is currently insufficient to determine the role of this variant in disease. Therefore, it has been classified as a Variant of Uncertain Significance.

All of Us Research Program, National Institutes of Health
Classification: Uncertain significance for Tuberous sclerosis syndrome. Last evaluated: 2024-03-05. Review status: criteria provided, single submitter. Criteria: ACMG Guidelines, 2015. Collection method: clinical testing. Allele origin: germline. Inheritance: Autosomal dominant inheritance. Observed: 1 variant allele, 1 heterozygote.
Comment: This study involves interpretation of variants in research participants for the purpose of population health screening. Participant phenotype was not available at the time of variant classification. Additional details can be found in publication PMID: 35346344, PMCID: PMC8962531

Ambry Genetics
Classification: Uncertain significance for Hereditary cancer-predisposing syndrome. Last evaluated: 2022-04-30. Review status: criteria provided, single submitter. Criteria: Ambry Variant Classification Scheme 2023. Collection method: clinical testing. Allele origin: germline.
Comment: The p.S1431W variant (also known as c.4292C>G), located in coding exon 33 of the TSC2 gene, results from a C to G substitution at nucleotide position 4292. The serine at codon 1431 is replaced by tryptophan, an amino acid with highly dissimilar properties. This amino acid position is conserved. In addition, the in silico prediction for this alteration is inconclusive. Since supporting evidence is limited at this time, the clinical significance of this alteration remains unclear.

Fulgent Genetics
Classification: Uncertain significance for Lymphangiomyomatosis; Isolated focal cortical dysplasia type II; Tuberous sclerosis 2. Last evaluated: 2022-03-16. Review status: criteria provided, single submitter. Criteria: ACMG Guidelines, 2015. Collection method: clinical testing. Allele origin: unknown.

Dr. Peter K. Rogan Lab, Western University
No classification provided (evidence only). Condition: Thyroid cancer, nonmedullary, 1. Review status: no classification provided. Collection method: in vitro. Allele origin: not applicable. Functional consequence: retained intron. Not counted in ClinVar's aggregate classification.

NM_000548.5(TSC2):c.4292C>G (p.Ser1431Trp)

Gene: TSC2 (TSC complex subunit 2; plus strand). Cytogenetic location: 16p13.3.
Variant type: single nucleotide variant.
Coding change: c.4292C>G on transcript NM_000548.5 (MANE Select); coding-DNA position 4292, C replaced by G.
Protein change: p.Ser1431Trp; replaces serine 1431 with tryptophan.
Molecular consequence: missense variant.
Genome position (GRCh38, 1-based): chr16:2,084,514, C>G. VCF-style: chr16-2084514-C-G. GRCh37 (hg19) VCF-style: chr16-2134515-C-G.
Other names: c.4163C>G, p.Ser1388Trp (NM_001370405.1, NM_021055.3); c.4094C>G, p.Ser1365Trp (NM_001363528.2); c.4160C>G, p.Ser1387Trp (NM_001370404.1); c.4091C>G, p.Ser1364Trp (NM_001077183.3); c.4223C>G, p.Ser1408Trp (NM_001114382.3); c.3983C>G, p.Ser1328Trp (NM_001318827.2); c.3947C>G, p.Ser1316Trp (NM_001318829.2); c.3560C>G, p.Ser1187Trp (NM_001318831.2); and 1 more; short protein forms S1364W, S1408W, S1187W, S1316W, S1328W, S1365W, S1431W, S1375W.
Identifiers: ClinVar variation 663810 (VCV000663810.14), dbSNP rs375785710, ClinGen allele CA394301025.